The following is an entry in ClinVar:

ClinVar aggregate classification (germline): Uncertain significance. Review status: criteria provided, multiple submitters, no conflicts (2 of 4 stars). 2 submissions from 2 submitters: Uncertain significance (2). Last evaluated 2025-01-01.

Conditions:
Inborn genetic diseases. Identifiers: MedGen C0950123, MeSH D030342.

Submissions (2):

Ambry Genetics
Classification: Uncertain significance for Inborn genetic diseases. Last evaluated: 2025-01-01. Review status: criteria provided, single submitter. Criteria: Ambry Variant Classification Scheme 2023. Collection method: clinical testing. Allele origin: germline.

GeneDx
Classification: Uncertain significance. Last evaluated: 2023-01-12. Review status: criteria provided, single submitter. Criteria: GeneDx Variant Classification Process June 2021. Collection method: clinical testing. Allele origin: germline. Affected: yes.
Comment: Not observed at significant frequency in large population cohorts (gnomAD); In silico analysis supports that this missense variant does not alter protein structure/function; Has not been previously published as pathogenic or benign to our knowledge

NM_030632.3(ASXL3):c.4586C>T (p.Ala1529Val)

Gene: ASXL3 (ASXL transcriptional regulator 3; plus strand). Cytogenetic location: 18q12.1.
Variant type: single nucleotide variant.
Coding change: c.4586C>T on transcript NM_030632.3 (MANE Select); coding-DNA position 4586, C replaced by T.
Protein change: p.Ala1529Val; replaces alanine 1529 with valine.
Molecular consequence: missense variant.
Genome position (GRCh38, 1-based): chr18:33,744,434, C>T. VCF-style: chr18-33744434-C-T. GRCh37 (hg19) VCF-style: chr18-31324398-C-T.
Other names: short protein forms A1529V.
Identifiers: ClinVar variation 2572690 (VCV002572690.2), dbSNP rs1216008585, ClinGen allele CA402191248.